The following is an entry in ClinVar:

NM_194248.3(OTOF):c.2089G>A (p.Asp697Asn)

Gene: OTOF (otoferlin; minus strand). Cytogenetic location: 2p23.3.
Variant type: single nucleotide variant.
Coding change: c.2089G>A on transcript NM_194248.3 (MANE Select); coding-DNA position 2089, G replaced by A.
Protein change: p.Asp697Asn; replaces aspartic acid 697 with asparagine.
Molecular consequence: missense variant.
Genome position (GRCh38, 1-based): chr2:26,479,477, C>T on the plus strand (G>A on the coding strand, the complement: OTOF is on the minus strand). VCF-style: chr2-26479477-C-T. GRCh37 (hg19) VCF-style: chr2-26702345-C-T.
Other names: c.2089G>A, p.Asp697Asn (NM_001287489.2); short protein forms D697N.
Identifiers: ClinVar variation 3017805 (VCV003017805.5), dbSNP rs765669745, ClinGen allele CA1564073.

ClinVar aggregate classification (germline): Conflicting classifications of pathogenicity. Review status: criteria provided, conflicting classifications (1 of 4 stars). 2 submissions from 2 submitters: Uncertain significance (1); Likely benign (1). Last evaluated 2025-10-16.

Allele frequency attached by ClinVar (database versions not stated): ExAC 0.00001.

Submissions (2):

GeneDx
Classification: Uncertain significance. Last evaluated: 2025-10-16. Review status: criteria provided, single submitter. Criteria: GeneDx Variant Classification Process June 2021. Collection method: clinical testing. Allele origin: germline.
Comment: In silico analysis supports that this missense variant has a deleterious effect on protein structure/function; Has not been previously published as pathogenic or benign to our knowledge

Labcorp Genetics (formerly Invitae), Labcorp
Classification: Likely benign. Last evaluated: 2023-09-06. Review status: criteria provided, single submitter. Criteria: Invitae Variant Classification Sherloc (09022015). Collection method: clinical testing. Allele origin: germline.